The following is an entry in ClinVar:

NM_020822.3(KCNT1):c.1429G>A (p.Ala477Thr)

Gene: KCNT1 (potassium sodium-activated channel subfamily T member 1; plus strand). Cytogenetic location: 9q34.3.
Variant type: single nucleotide variant.
Coding change: c.1429G>A on transcript NM_020822.3 (MANE Select); coding-DNA position 1429, G replaced by A.
Protein change: p.Ala477Thr; replaces alanine 477 with threonine.
Molecular consequence: missense variant.
Genome position (GRCh38, 1-based): chr9:135,768,856, G>A. VCF-style: chr9-135768856-G-A. GRCh37 (hg19) VCF-style: chr9-138660702-G-A.
Other names: c.1294G>A, p.Ala432Thr (NM_001272003.2); short protein forms A477T, A432T.
Identifiers: ClinVar variation 590115 (VCV000590115.13), dbSNP rs1564367605, ClinGen allele CA375505239.

ClinVar aggregate classification (germline): Pathogenic/Likely pathogenic. Review status: criteria provided, multiple submitters, no conflicts (2 of 4 stars). 2 submissions from 2 submitters: Pathogenic (1); Likely pathogenic (1). Last evaluated 2021-03-26.

Conditions:
Inborn genetic diseases. Identifiers: MedGen C0950123, MeSH D030342.
Autosomal dominant nocturnal frontal lobe epilepsy 5. Also called: Epilepsy, nocturnal frontal lobe, 5; CILIARY DYSKINESIA, PRIMARY, 28, WITHOUT SITUS INVERSUS; CILIARY DYSKINESIA, PRIMARY, 28, WITH SITUS INVERSUS; KCNT1-Related Epilepsy. Identifiers: Orphanet 98784, MedGen C3554306, MONDO:0014002, OMIM 615005.
Developmental and epileptic encephalopathy, 14 (DEE14). Also called: Early infantile epileptic encephalopathy 14. Identifiers: Orphanet 293181, MedGen C3554195, MONDO:0013989, OMIM 614959.

Submissions (2):

Labcorp Genetics (formerly Invitae), Labcorp
Classification: Pathogenic for Autosomal dominant nocturnal frontal lobe epilepsy 5; Developmental and epileptic encephalopathy, 14. Last evaluated: 2021-03-26. Review status: criteria provided, single submitter. Criteria: Invitae Variant Classification Sherloc (09022015). Collection method: clinical testing. Allele origin: germline.
Comment: This sequence change replaces alanine with threonine at codon 477 of the KCNT1 protein (p.Ala477Thr). The alanine residue is highly conserved and there is a small physicochemical difference between alanine and threonine. This variant has been observed in individual(s) with KCNT1-related conditions (PMID: 26140313). In at least one individual the variant was observed to be de novo. ClinVar contains an entry for this variant (Variation ID: 590115). This variant is not present in population databases (ExAC no frequency). For these reasons, this variant has been classified as Pathogenic. Advanced modeling of protein sequence and biophysical properties (such as structural, functional, and spatial information, amino acid conservation, physicochemical variation, residue mobility, and thermodynamic stability) performed at Invitae indicates that this missense variant is expected to disrupt KCNT1 protein function.

Ambry Genetics
Classification: Likely pathogenic for Inborn genetic diseases. Last evaluated: 2018-01-25. Review status: criteria provided, single submitter. Criteria: Ambry Variant Classification Scheme 2023. Collection method: clinical testing. Allele origin: germline.
Comment: The p.A477T variant (also known as c.1429G>A), located in coding exon 15 of the KCNT1 gene, results from a G to A substitution at nucleotide position 1429. The alanine at codon 477 is replaced by threonine, an amino acid with similar properties. This alteration was detected as a de novo occurrence in an individual with epilepsy of infancy with migrating focal seizures (EIMFS) (Ohba C et al. Epilepsia, 2015 Sep;56:e121-8). This amino acid position is highly conserved in available vertebrate species. In addition, this alteration is predicted to be deleterious by in silico analysis. Based on the majority of available evidence to date, this variant is likely to be pathogenic.

Literature cited by the submitters: PubMed 26140313 (cited by Labcorp Genetics (formerly Invitae), Labcorp and Ambry Genetics); PubMed 26740507 (cited by Ambry Genetics); PubMed 28488083 (cited by Ambry Genetics).